The following is an entry in ClinVar:

NM_000939.4(POMC):c.229T>G (p.Tyr77Asp)

Gene: POMC (proopiomelanocortin; minus strand). Cytogenetic location: 2p23.3.
Variant type: single nucleotide variant.
Coding change: c.229T>G on transcript NM_000939.4 (MANE Select); coding-DNA position 229, T replaced by G.
Protein change: p.Tyr77Asp; replaces tyrosine 77 with aspartic acid.
Molecular consequence: missense variant.
Genome position (GRCh38, 1-based): chr2:25,161,656, A>C on the plus strand (T>G on the coding strand, the complement: POMC is on the minus strand). VCF-style: chr2-25161656-A-C. GRCh37 (hg19) VCF-style: chr2-25384525-A-C.
Other names: c.229T>G, p.Tyr77Asp (NM_001035256.3, NM_001319204.2, NM_001319205.2); short protein forms Y77D.
Identifiers: ClinVar variation 3350858 (VCV003350858.2).

ClinVar aggregate classification (germline): Uncertain significance (1 of 4 stars; one submission).

Conditions:
POMC-related disorder. Also called: POMC-related disorders; POMC-related condition.

gnomAD v4.1: 16 of 1,557,766 alleles (0.001%); highest among the groups gnomAD compares: Non-Finnish European, 0.0013%; no homozygotes.

Submission:

PreventionGenetics, part of Exact Sciences
Classification: Uncertain significance for POMC-related condition. Last evaluated: 2026-06-12. Review status: criteria provided, single submitter. Criteria: ACMG Guidelines, 2015. Collection method: clinical testing. Allele origin: germline.
Comment: The POMC c.229T>G variant is predicted to result in the amino acid substitution p.Tyr77Asp. This variant was reported in an individual with obesity (Table S3, Kleinendorst et al. 2018. PubMed ID: 29970488). In vitro functional studies showed this variant did not reduce protein function and could cause increased function (Supplemental Data Set 3, Shah et al. 2023. PubMed ID: 36864747). This variant has not been reported in a large population database (gnomAD), indicating this variant is rare. At this time, the clinical significance of this variant is uncertain due to the absence of conclusive functional and genetic evidence.